The following is an entry in ClinVar:

NM_001374736.1(DST):c.4364A>G (p.Asp1455Gly)

Gene: DST (dystonin; minus strand). Cytogenetic location: 6p12.1.
Variant type: single nucleotide variant.
Coding change: c.4364A>G on transcript NM_001374736.1 (MANE Select); coding-DNA position 4364, A replaced by G.
Protein change: p.Asp1455Gly; replaces aspartic acid 1455 with glycine.
Molecular consequence: missense variant.
Genome position (GRCh38, 1-based): chr6:56,629,361, T>C on the plus strand (A>G on the coding strand, the complement: DST is on the minus strand). VCF-style: chr6-56629361-T-C. GRCh37 (hg19) VCF-style: chr6-56494159-T-C.
Other names: c.4265A>G, p.Asp1422Gly (NM_001144769.5); c.3851A>G, p.Asp1284Gly (NM_001144770.2); c.4364A>G, p.Asp1455Gly (NM_001374722.1); c.3731A>G, p.Asp1244Gly (NM_001374729.1, NM_001374730.1, NM_001386100.1 and 1 more transcripts); c.4391A>G, p.Asp1464Gly (NM_001374734.1); c.2753A>G, p.Asp918Gly (NM_001723.7, NM_015548.5); short protein forms D1244G, D1284G, D1422G, D918G, D1455G, D1464G.
Identifiers: ClinVar variation 1739198 (VCV001739198.7), dbSNP rs2536929578, ClinGen allele CA364573798.
Genomic context (GRCh38, chr6:56,629,361, plus strand): 5'-GCTTTTTCTTTGTGCCAGTCAAAATCAAGGTCCCGTTCTTTATACGTTTTAAACATTTCA[T>C]CACTGATGGCTTTAGCTTTCTGCAACTCATCCTCTAAGGCATGGAATACCTGTCTCTTTT-3'
Protein context (NP_001361665.1, residues 1445-1465): DELQKAKAIS[Asp1455Gly]EMFKTYKERD

ClinVar aggregate classification (germline): Uncertain significance. Review status: criteria provided, multiple submitters, no conflicts (2 of 4 stars). 2 submissions from 2 submitters: Uncertain significance (2). Last evaluated 2022-07-15.

Conditions:
Inborn genetic diseases. Identifiers: MedGen C0950123, MeSH D030342.
Epidermolysis bullosa simplex 3, localized or generalized intermediate, with BP230 deficiency (EBS3). Also called: Epidermolysis bullosa simplex, autosomal recessive 2; Epidermolysis bullosa simplex due to BP230 deficiency. Identifiers: Orphanet 412181, MedGen C3809470, MONDO:0014180, OMIM 615425.
Hereditary sensory and autonomic neuropathy type 6. Also called: HSAN VI; Neuropathy, hereditary sensory and autonomic, type VI. Identifiers: Orphanet 314381, MedGen C3539003, MONDO:0013839, OMIM 614653.

Submissions (2):

Labcorp Genetics (formerly Invitae), Labcorp
Classification: Uncertain significance for Epidermolysis bullosa simplex 3, localized or generalized intermediate, with BP230 deficiency; Hereditary sensory and autonomic neuropathy type 6. Last evaluated: 2022-07-15. Review status: criteria provided, single submitter. Criteria: Invitae Variant Classification Sherloc (09022015). Collection method: clinical testing. Allele origin: germline.
Comment: This variant has not been reported in the literature in individuals affected with DST-related conditions. This sequence change replaces aspartic acid, which is acidic and polar, with glycine, which is neutral and non-polar, at codon 918 of the DST protein (p.Asp918Gly). This variant is not present in population databases (gnomAD no frequency). Algorithms developed to predict the effect of missense changes on protein structure and function (SIFT, PolyPhen-2, Align-GVGD) all suggest that this variant is likely to be disruptive. In summary, the available evidence is currently insufficient to determine the role of this variant in disease. Therefore, it has been classified as a Variant of Uncertain Significance.

Ambry Genetics
Classification: Uncertain significance for Inborn genetic diseases. Last evaluated: 2021-06-18. Review status: criteria provided, single submitter. Criteria: Ambry Variant Classification Scheme 2023. Collection method: clinical testing. Allele origin: germline.
Comment: The p.D1422G variant (also known as c.4265A>G), located in coding exon 31 of the DST gene, results from an A to G substitution at nucleotide position 4265. The aspartic acid at codon 1422 is replaced by glycine, an amino acid with similar properties. This amino acid position is well conserved in available vertebrate species. In addition, the in silico prediction for this alteration is inconclusive. Since supporting evidence is limited at this time, the clinical significance of this alteration remains unclear.